The following is an entry in ClinVar:

NM_001278116.2(L1CAM):c.999del (p.Tyr334fs)

Gene: L1CAM (L1 cell adhesion molecule; minus strand). Cytogenetic location: Xq28.
Variant type: Deletion.
Coding change: c.999del on transcript NM_001278116.2 (MANE Select); coding-DNA position 999, one base deleted (G; older notation c.999delG).
Protein change: p.Tyr334fs; shifts the reading frame from tyrosine 334.
Molecular consequence: frameshift variant.
Genome position (GRCh38, 1-based): chrX:153,869,927, C deleted on the plus strand (G on the coding strand, the reverse complement: L1CAM is on the minus strand). VCF-style (leftmost placement, unchanged base first): chrX-153869926-AC-A. GRCh37 (hg19) VCF-style: chrX-153135381-AC-A.
Other names: c.999del, p.Tyr334fs (NM_000425.5, NM_024003.3); c.984del, p.Tyr329fs (NM_001143963.2); short protein forms Y329fs, Y334fs.
Identifiers: ClinVar variation 5014490 (VCV005014490.1).

ClinVar aggregate classification (germline): Pathogenic (1 of 4 stars; one submission).

Conditions:
L1 syndrome. Identifiers: Orphanet 275543, MedGen C5779710, MONDO:0017140.

Submission:

Myriad Genetics, Inc.
Classification: Pathogenic for L1 syndrome. Last evaluated: 2025-05-21. Review status: criteria provided, single submitter. Criteria: Myriad Autosomal Dominant, Autosomal Recessive and X-Linked Classification Criteria (2023). Collection method: clinical testing. Allele origin: unknown.
Comment: NM_001278116.1(L1CAM):c.999delG(Y334Tfs*56) is expected to be pathogenic in the context of L1 syndrome. This variant is predicted to lead to an abnormal or absent protein product due to the creation of a premature termination codon in L1CAM, a gene where loss-of-function variants are known to be pathogenic. Please note: this variant was assessed in the context of healthy population screening.